The following is an entry in ClinVar:

ClinVar aggregate classification (germline): Uncertain significance. Review status: criteria provided, multiple submitters, no conflicts (2 of 4 stars). 2 submissions from 2 submitters: Uncertain significance (2). Last evaluated 2025-02-12.

Conditions:
Familial adenomatous polyposis 1 (FAP1). Also called: FAMILIAL ADENOMATOUS POLYPOSIS 1, ATTENUATED; POLYPOSIS, ADENOMATOUS INTESTINAL. Identifiers: MedGen C2713442, MONDO:0021056, OMIM 175100. Disease mechanism: loss of function.
Hereditary cancer-predisposing syndrome. Also called: Hereditary Cancer Syndrome; Neoplastic Syndromes, Hereditary; Tumor predisposition; Hereditary neoplastic syndrome. Identifiers: Orphanet 140162, MedGen C0027672, MeSH D009386, MONDO:0015356.

Submissions (2):

Ambry Genetics
Classification: Uncertain significance for Hereditary cancer-predisposing syndrome. Last evaluated: 2025-02-12. Review status: criteria provided, single submitter. Criteria: Ambry Variant Classification Scheme 2023. Collection method: clinical testing. Allele origin: germline.
Comment: The p.N1167S variant (also known as c.3500A>G), located in coding exon 15 of the APC gene, results from an A to G substitution at nucleotide position 3500. The asparagine at codon 1167 is replaced by serine, an amino acid with highly similar properties. This amino acid position is conserved. In addition, in silico predictors for this gene do not accurately predict pathogenicity. Based on the available evidence, the clinical significance of this variant remains unclear.

Labcorp Genetics (formerly Invitae), Labcorp
Classification: Uncertain significance for Familial adenomatous polyposis 1. Last evaluated: 2024-11-21. Review status: criteria provided, single submitter. Criteria: Invitae Variant Classification Sherloc (09022015). Collection method: clinical testing. Allele origin: germline.
Comment: This sequence change replaces asparagine, which is neutral and polar, with serine, which is neutral and polar, at codon 1167 of the APC protein (p.Asn1167Ser). This variant is not present in population databases (gnomAD no frequency). This variant has not been reported in the literature in individuals affected with APC-related conditions. Invitae Evidence Modeling of protein sequence and biophysical properties (such as structural, functional, and spatial information, amino acid conservation, physicochemical variation, residue mobility, and thermodynamic stability) indicates that this missense variant is not expected to disrupt APC protein function with a negative predictive value of 95%. In summary, the available evidence is currently insufficient to determine the role of this variant in disease. Therefore, it has been classified as a Variant of Uncertain Significance.

NM_000038.6(APC):c.3500A>G (p.Asn1167Ser)

Gene: APC (APC regulator of Wnt signaling pathway; plus strand). Cytogenetic location: 5q22.2.
Variant type: single nucleotide variant.
Coding change: c.3500A>G on transcript NM_000038.6 (MANE Select); coding-DNA position 3500, A replaced by G.
Protein change: p.Asn1167Ser; replaces asparagine 1167 with serine.
Molecular consequence: missense variant. On other transcripts: non-coding transcript variant (2).
Genome position (GRCh38, 1-based): chr5:112,839,094, A>G. VCF-style: chr5-112839094-A-G. GRCh37 (hg19) VCF-style: chr5-112174791-A-G.
Other names: c.3500A>G (NM_000038.5); c.3500A>G, p.Asn1167Ser (NM_001127510.3, NM_001354895.2, NM_001407450.1); c.3446A>G, p.Asn1149Ser (NM_001127511.3); c.3554A>G, p.Asn1185Ser (NM_001354896.2, NM_001407447.1, NM_001407448.1 and 1 more transcripts); c.3530A>G, p.Asn1177Ser (NM_001354897.2); c.3425A>G, p.Asn1142Ser (NM_001354898.2); c.3416A>G, p.Asn1139Ser (NM_001354899.2); c.3377A>G, p.Asn1126Ser (NM_001354900.2); and 12 more; short protein forms N1007S, N1038S, N1041S, N1066S, N1076S, N1084S, N1108S, N1126S.
Identifiers: ClinVar variation 3610766 (VCV003610766.3).